The following is an entry in ClinVar:

ClinVar aggregate classification (germline): Uncertain significance (1 of 4 stars; one submission).

Conditions:
Oligodontia-cancer predisposition syndrome. Also called: TOOTH AGENESIS-COLORECTAL CANCER SYNDROME. Identifiers: Orphanet 300576, MedGen C1837750, MONDO:0012075, OMIM 608615. Disease mechanism: loss of function.

Submission:

Labcorp Genetics (formerly Invitae), Labcorp
Classification: Uncertain significance for Oligodontia-cancer predisposition syndrome. Last evaluated: 2022-09-01. Review status: criteria provided, single submitter. Criteria: Invitae Variant Classification Sherloc (09022015). Collection method: clinical testing. Allele origin: germline.
Comment: This sequence change replaces threonine, which is neutral and polar, with isoleucine, which is neutral and non-polar, at codon 153 of the AXIN2 protein (p.Thr153Ile). In summary, the available evidence is currently insufficient to determine the role of this variant in disease. Therefore, it has been classified as a Variant of Uncertain Significance. Algorithms developed to predict the effect of missense changes on protein structure and function are either unavailable or do not agree on the potential impact of this missense change (SIFT: "Tolerated"; PolyPhen-2: "Probably Damaging"; Align-GVGD: "Class C0"). ClinVar contains an entry for this variant (Variation ID: 464624). This variant has not been reported in the literature in individuals affected with AXIN2-related conditions. This variant is not present in population databases (gnomAD no frequency).

NM_004655.4(AXIN2):c.458C>T (p.Thr153Ile)

Gene: AXIN2 (axin 2; minus strand). Cytogenetic location: 17q24.1.
Variant type: single nucleotide variant.
Coding change: c.458C>T on transcript NM_004655.4 (MANE Select); coding-DNA position 458, C replaced by T.
Protein change: p.Thr153Ile; replaces threonine 153 with isoleucine.
Molecular consequence: missense variant.
Genome position (GRCh38, 1-based): chr17:65,558,163, G>A on the plus strand (C>T on the coding strand, the complement: AXIN2 is on the minus strand). VCF-style: chr17-65558163-G-A. GRCh37 (hg19) VCF-style: chr17-63554281-G-A.
Other names: c.458C>T (LRG_296t1); c.458C>T, p.Thr153Ile (NM_001363813.1); short protein forms T153I.
Identifiers: ClinVar variation 464624 (VCV000464624.8), dbSNP rs1555583456, ClinGen allele CA400681320.